The following is an entry in ClinVar:

ClinVar aggregate classification (germline): Uncertain significance (1 of 4 stars; one submission).

Submission:

Labcorp Genetics (formerly Invitae), Labcorp
Classification: Uncertain significance. Last evaluated: 2024-03-28. Review status: criteria provided, single submitter. Criteria: Invitae Variant Classification Sherloc (09022015). Collection method: clinical testing. Allele origin: germline.
Comment: This variant, c.974_985dup, results in the insertion of 4 amino acid(s) of the ARID1B protein (p.Gly325_Gly328dup), but otherwise preserves the integrity of the reading frame. This variant is not present in population databases (gnomAD no frequency). This variant has not been reported in the literature in individuals affected with ARID1B-related conditions. In summary, the available evidence is currently insufficient to determine the role of this variant in disease. Therefore, it has been classified as a Variant of Uncertain Significance.

NM_001374828.1(ARID1B):c.1211GAG[12] (p.Gly411_Ala412insGlyGlyGlyGly)

Gene: ARID1B (AT-rich interaction domain 1B; plus strand). Cytogenetic location: 6q25.3.
Variant type: Microsatellite.
Coding change: c.1211GAG[12] on transcript NM_001374828.1 (MANE Select); 12 copies in a row of the 3-base unit GAG starting at c.1211; the reference has eight copies in a row; four copies, 12 bases duplicated.
Protein change: p.Gly411_Ala412insGlyGlyGlyGly.
Genome position (GRCh38, 1-based): chr6:156,778,903-156,778,914, GAGGAGGAGGAG duplicated; duplicating any 12 consecutive bases within chr6:156,778,890-156,778,914 gives the same sequence; the position shown is the placement nearest the transcript's 3' end. VCF-style (leftmost placement, unchanged base first): chr6-156778889-C-CGGAGGAGGAGGA. GRCh37 (hg19) VCF-style: chr6-157100023-C-CGGAGGAGGAGGA.
Other names: c.1211GAG[12], p.Gly411_Ala412insGlyGlyGlyGly (NM_001371656.1, NM_001374820.1, NM_017519.3).
Identifiers: ClinVar variation 3669739 (VCV003669739.2).